The following is an entry in ClinVar:

ClinVar aggregate classification (germline): Uncertain significance (1 of 4 stars; one submission).

Conditions:
Hereditary cancer-predisposing syndrome. Also called: Neoplastic Syndromes, Hereditary; Tumor predisposition; Hereditary neoplastic syndrome; Hereditary Cancer Syndrome. Identifiers: Orphanet 140162, MedGen C0027672, MeSH D009386, MONDO:0015356.

Submission:

Ambry Genetics
Classification: Uncertain significance for Hereditary cancer-predisposing syndrome. Last evaluated: 2023-12-30. Review status: criteria provided, single submitter. Criteria: Ambry Variant Classification Scheme 2023. Collection method: clinical testing. Allele origin: germline.
Comment: The p.C125R variant (also known as c.373T>C), located in coding exon 5 of the PMS2 gene, results from a T to C substitution at nucleotide position 373. The cysteine at codon 125 is replaced by arginine, an amino acid with highly dissimilar properties. This amino acid position is conserved. In addition, the in silico prediction for this alteration is inconclusive. Since supporting evidence is limited at this time, the clinical significance of this alteration remains unclear.

NM_000535.7(PMS2):c.373T>C (p.Cys125Arg)

Gene: PMS2 (PMS1 homolog 2, mismatch repair system component; minus strand). Cytogenetic location: 7p22.1.
Variant type: single nucleotide variant.
Coding change: c.373T>C on transcript NM_000535.7 (MANE Select); coding-DNA position 373, T replaced by C.
Protein change: p.Cys125Arg; replaces cysteine 125 with arginine.
Molecular consequence: missense variant. On other transcripts: 5 prime UTR variant (29), non-coding transcript variant (1), intron variant (1).
Genome position (GRCh38, 1-based): chr7:6,002,617, A>G on the plus strand (T>C on the coding strand, the complement: PMS2 is on the minus strand). VCF-style: chr7-6002617-A-G. GRCh37 (hg19) VCF-style: chr7-6042248-A-G.
Other names: c.-33T>C (NM_001018040.1, NM_001322003.2, NM_001322004.2 and 25 more transcripts); c.373T>C, p.Cys125Arg (NM_001322006.2, NM_001322014.2, NM_001406869.1 and 8 more transcripts); c.55T>C, p.Cys19Arg (NM_001322007.2, NM_001322008.2, NM_001406876.1 and 4 more transcripts); c.-512T>C (NM_001322011.2, NM_001322012.2); c.64T>C, p.Cys22Arg (NM_001322015.2, NM_001406875.1, NM_001406877.1 and 6 more transcripts); c.559T>C, p.Cys187Arg (NM_001406866.1); c.397T>C, p.Cys133Arg (NM_001406868.1); c.250+1355T>C (NM_001406885.1); short protein forms C125R, C133R, C187R, C19R, C22R.
Identifiers: ClinVar variation 3232027 (VCV003232027.1), dbSNP rs2128819159, ClinGen allele CA366744479.